The following is an entry in ClinVar:

NM_000122.2(ERCC3):c.1342+6C>G

Gene: ERCC3 (ERCC excision repair 3, TFIIH core complex helicase subunit; minus strand). Cytogenetic location: 2q14.3.
Variant type: single nucleotide variant.
Coding change: c.1342+6C>G on transcript NM_000122.2 (MANE Select); 6 bases into the intron after coding-DNA position 1342, C replaced by G.
Molecular consequence: intron variant.
Genome position (GRCh38, 1-based): chr2:127,286,697, G>C on the plus strand (C>G on the coding strand, the complement: ERCC3 is on the minus strand). VCF-style: chr2-127286697-G-C. GRCh37 (hg19) VCF-style: chr2-128044273-G-C.
Other names: c.1150+6C>G (NM_001303416.2, NM_001303418.2).
Identifiers: ClinVar variation 1441607 (VCV001441607.6), dbSNP rs1351753110, ClinGen allele CA536067545.

ClinVar aggregate classification (germline): Uncertain significance (1 of 4 stars; one submission).

Allele frequency attached by ClinVar (database versions not stated): gnomAD exomes 0.00001; TOPMed 0.00002.
gnomAD v4.1: 4 of 1,613,656 alleles (0.00025%); highest among the groups gnomAD compares: Admixed American, 0.0033%; no homozygotes.

Submission:

Labcorp Genetics (formerly Invitae), Labcorp
Classification: Uncertain significance. Last evaluated: 2024-02-17. Review status: criteria provided, single submitter. Criteria: Invitae Variant Classification Sherloc (09022015). Collection method: clinical testing. Allele origin: germline.
Comment: This sequence change falls in intron 8 of the ERCC3 gene. It does not directly change the encoded amino acid sequence of the ERCC3 protein. It affects a nucleotide within the consensus splice site. This variant is present in population databases (no rsID available, gnomAD 0.006%). This variant has not been reported in the literature in individuals affected with ERCC3-related conditions. ClinVar contains an entry for this variant (Variation ID: 1441607). Variants that disrupt the consensus splice site are a relatively common cause of aberrant splicing (PMID: 17576681, 9536098). Algorithms developed to predict the effect of sequence changes on RNA splicing suggest that this variant is not likely to affect RNA splicing. In summary, the available evidence is currently insufficient to determine the role of this variant in disease. Therefore, it has been classified as a Variant of Uncertain Significance.

Literature cited by the submitters: PubMed 17576681; PubMed 9536098.